The following is an entry in ClinVar:

NM_005149.3(TBX19):c.1056C>A (p.Pro352=)

Gene: TBX19 (T-box transcription factor 19; plus strand). Cytogenetic location: 1q24.2.
Variant type: single nucleotide variant.
Coding change: c.1056C>A on transcript NM_005149.3 (MANE Select); coding-DNA position 1056, C replaced by A.
Protein change: p.Pro352=; no amino-acid change (proline 352 retained).
Molecular consequence: synonymous variant.
Genome position (GRCh38, 1-based): chr1:168,312,711, C>A. VCF-style: chr1-168312711-C-A. GRCh37 (hg19) VCF-style: chr1-168281949-C-A.
Identifiers: ClinVar variation 4534767 (VCV004534767.6).

ClinVar aggregate classification (germline): Likely benign (1 of 4 stars; one submission).

Submission:

CeGaT Center for Human Genetics Tuebingen
Classification: Likely benign. Last evaluated: 2025-10-01. Review status: criteria provided, single submitter. Criteria: CeGaT Center For Human Genetics Tuebingen Variant Classification Criteria Version 2. Collection method: clinical testing. Allele origin: germline. Affected: yes. Observed: 1 variant allele.
Comment: TBX19: PM2:Supporting, BP4, BP7